The following is an entry in ClinVar:

NM_005186.4(CAPN1):c.2071A>T (p.Thr691Ser)

Gene: CAPN1 (calpain 1; plus strand). Cytogenetic location: 11q13.1.
Variant type: single nucleotide variant.
Coding change: c.2071A>T on transcript NM_005186.4 (MANE Select); coding-DNA position 2071, A replaced by T.
Protein change: p.Thr691Ser; replaces threonine 691 with serine.
Molecular consequence: missense variant. On other transcripts: non-coding transcript variant (1).
Genome position (GRCh38, 1-based): chr11:65,210,825, A>T. VCF-style: chr11-65210825-A-T. GRCh37 (hg19) VCF-style: chr11-64978296-A-T.
Other names: c.2071A>T, p.Thr691Ser (NM_001198868.2, NM_001198869.2); short protein forms T691S.
Identifiers: ClinVar variation 1468929 (VCV001468929.7), dbSNP rs753782333, ClinGen allele CA6093695.

ClinVar aggregate classification (germline): Uncertain significance (1 of 4 stars; one submission).

Allele frequency attached by ClinVar (database versions not stated): gnomAD exomes 0.00001; ExAC 0.00001.

Submission:

Labcorp Genetics (formerly Invitae), Labcorp
Classification: Uncertain significance. Last evaluated: 2025-10-02. Review status: criteria provided, single submitter. Criteria: Invitae Variant Classification Sherloc (09022015). Collection method: clinical testing. Allele origin: germline.
Comment: This sequence change replaces threonine, which is neutral and polar, with serine, which is neutral and polar, at codon 691 of the CAPN1 protein (p.Thr691Ser). This variant is present in population databases (rs753782333, gnomAD 0.002%). This variant has not been reported in the literature in individuals affected with CAPN1-related conditions. ClinVar contains an entry for this variant (Variation ID: 1468929). Invitae Evidence Modeling of protein sequence and biophysical properties (such as structural, functional, and spatial information, amino acid conservation, physicochemical variation, residue mobility, and thermodynamic stability) indicates that this missense variant is not expected to disrupt CAPN1 protein function with a negative predictive value of 80%. In summary, the available evidence is currently insufficient to determine the role of this variant in disease. Therefore, it has been classified as a Variant of Uncertain Significance.